The following is an entry in ClinVar:

ClinVar aggregate classification (germline): Benign (1 of 4 stars; one submission).

Conditions:
Metachromatic leukodystrophy (MLD). Also called: ARSA DEFICIENCY; CEREBROSIDE SULFATASE DEFICIENCY; METACHROMATIC LEUKOENCEPHALOPATHY; SULFATIDE LIPIDOSIS; Cerebral sclerosis diffuse metachromatic form; Arylsulfatase A Deficiency. Identifiers: Orphanet 512, MedGen C0023522, MONDO:0018868, OMIM 250100.

Allele frequency attached by ClinVar (database versions not stated): gnomAD 0.26325 and 0.26709; TOPMed 0.27809; 1000 Genomes Project 0.33207; 1000 Genomes Project 30x 0.33292.

Submission:

Illumina Laboratory Services, Illumina
Classification: Benign for Metachromatic leukodystrophy. Last evaluated: 2018-01-13. Review status: criteria provided, single submitter. Criteria: ICSL Variant Classification Criteria 13 December 2019. Collection method: clinical testing. Allele origin: germline.
Comment: This variant was observed in the ICSL laboratory as part of a predisposition screen in an ostensibly healthy population. It had not been previously curated by ICSL or reported in the Human Gene Mutation Database (HGMD: prior to June 1st, 2018), and was therefore a candidate for classification through an automated scoring system. Utilizing variant allele frequency, disease prevalence and penetrance estimates, and inheritance mode, an automated score was calculated to assess if this variant is too frequent to cause the disease. Based on the score and internal cut-off values, a variant classified as benign is not then subjected to further curation. The score for this variant resulted in a classification of benign for this disease.

NM_000487.6(ARSA):c.*1522C>A

Gene: ARSA (arylsulfatase A; minus strand). Cytogenetic location: 22q13.33.
Variant type: single nucleotide variant.
Coding change: c.*1522C>A on transcript NM_000487.6 (MANE Select); 1522 bases downstream of the stop codon, C replaced by A.
Molecular consequence: 3 prime UTR variant.
Genome position (GRCh38, 1-based): chr22:50,623,623, G>T on the plus strand (C>A on the coding strand, the complement: ARSA is on the minus strand). VCF-style: chr22-50623623-G-T. GRCh37 (hg19) VCF-style: chr22-51062051-G-T.
Other names: c.*1522C>A (NM_001085425.3, NM_001085426.3, NM_001085427.3 and 2 more transcripts).
Identifiers: ClinVar variation 342198 (VCV000342198.5), dbSNP rs6009939, ClinGen allele CA10651538.
Genomic context (GRCh38, chr22:50,623,623, plus strand): 5'-CCAAATTGCTAGGACAAATGCTACCACGCCTGGCTAATTAAAACAAATATTGTTGGCCAG[G>T]TGTGGTGGTTCACACCTGTAATCCCAGCACTTTGGGAGGCTGAGGCGGGTGGATCACCTG-3'